The following is an entry in ClinVar:

ClinVar aggregate classification (germline): Uncertain significance (1 of 4 stars; one submission).

Conditions:
SCN11A-related disorder. Also called: SCN11A-related condition.

Submission:

PreventionGenetics, part of Exact Sciences
Classification: Uncertain significance for SCN11A-related condition. Last evaluated: 2026-01-18. Review status: criteria provided, single submitter. Criteria: ACMG Guidelines, 2015. Collection method: clinical testing. Allele origin: germline.
Comment: The SCN11A c.2850T>A variant is predicted to result in the amino acid substitution p.His950Gln. To our knowledge, this variant has not been reported in the literature or in a large population database (gnomAD), indicating this variant is rare. At this time, the clinical significance of this variant is uncertain due to the absence of conclusive functional and genetic evidence.

NM_001349253.2(SCN11A):c.2850T>A (p.His950Gln)

Gene: SCN11A (sodium voltage-gated channel alpha subunit 11; minus strand). Cytogenetic location: 3p22.2.
Variant type: single nucleotide variant.
Coding change: c.2850T>A on transcript NM_001349253.2 (MANE Select); coding-DNA position 2850, T replaced by A.
Protein change: p.His950Gln; replaces histidine 950 with glutamine.
Molecular consequence: missense variant.
Genome position (GRCh38, 1-based): chr3:38,886,224, A>T on the plus strand (T>A on the coding strand, the complement: SCN11A is on the minus strand). VCF-style: chr3-38886224-A-T. GRCh37 (hg19) VCF-style: chr3-38927715-A-T.
Other names: c.2850T>A, p.His950Gln (NM_014139.3); short protein forms H950Q.
Identifiers: ClinVar variation 4998205 (VCV004998205.1).